The following is an entry in ClinVar:

NM_015215.4(CAMTA1):c.682A>T (p.Thr228Ser)

Gene: CAMTA1 (calmodulin binding transcription activator 1; plus strand). Cytogenetic location: 1p36.23.
Variant type: single nucleotide variant.
Coding change: c.682A>T on transcript NM_015215.4 (MANE Select); coding-DNA position 682, A replaced by T.
Protein change: p.Thr228Ser; replaces threonine 228 with serine.
Molecular consequence: missense variant.
Genome position (GRCh38, 1-based): chr1:7,661,743, A>T. VCF-style: chr1-7661743-A-T. GRCh37 (hg19) VCF-style: chr1-7721803-A-T.
Other names: c.592A>T, p.Thr198Ser (NM_001349608.2, NM_001349612.2); c.682A>T, p.Thr228Ser (NM_001349609.2, NM_001349610.2); short protein forms T198S, T228S.
Identifiers: ClinVar variation 1690415 (VCV001690415.2), dbSNP rs762627582, ClinGen allele CA338120301.

ClinVar aggregate classification (germline): Uncertain significance (1 of 4 stars; one submission).

gnomAD v4.1: 1 of 1,611,682 alleles (0.000062%); highest among the groups gnomAD compares: Non-Finnish European, 0.000085%; no homozygotes.

Submission:

Laboratorio de Genetica e Diagnostico Molecular, Hospital Israelita Albert Einstein
Classification: Uncertain significance. Last evaluated: 2021-07-22. Review status: criteria provided, single submitter. Criteria: ACMG Guidelines, 2015. Collection method: clinical testing. Allele origin: germline. Affected: yes.
Comment: ACMG classification criteria: PM2, PP2, BP4